The following is an entry in ClinVar:

ClinVar aggregate classification (germline): Uncertain significance. Review status: criteria provided, multiple submitters, no conflicts (2 of 4 stars). 3 submissions from 3 submitters: Uncertain significance (3). Last evaluated 2025-05-19.

Conditions:
Retinal dystrophy. Also called: Inherited retinal dystrophy. Identifiers: Orphanet 71862, MedGen C0854723, MeSH D058499, MONDO:0019118, HP:0000556.
Inborn genetic diseases. Identifiers: MedGen C0950123, MeSH D030342.

Allele frequency attached by ClinVar (database versions not stated): gnomAD exomes 0.00002 and 0.00003; ExAC 0.00004; gnomAD 0.00001.

Submissions (3):

Ambry Genetics
Classification: Uncertain significance for Inborn genetic diseases. Last evaluated: 2025-05-19. Review status: criteria provided, single submitter. Criteria: Ambry Variant Classification Scheme 2023. Collection method: clinical testing. Allele origin: germline.

Dept Of Ophthalmology, Nagoya University
Classification: Uncertain significance for Retinal dystrophy. Last evaluated: 2023-10-01. Review status: criteria provided, single submitter. Criteria: Submitter's publication. Collection method: research. Allele origin: germline. Affected: yes.

Labcorp Genetics (formerly Invitae), Labcorp
Classification: Uncertain significance. Last evaluated: 2023-06-13. Review status: criteria provided, single submitter. Criteria: Invitae Variant Classification Sherloc (09022015). Collection method: clinical testing. Allele origin: germline.
Comment: This variant has not been reported in the literature in individuals affected with RBP3-related conditions. This variant is present in population databases (rs782226632, gnomAD 0.01%). This sequence change replaces alanine, which is neutral and non-polar, with threonine, which is neutral and polar, at codon 830 of the RBP3 protein (p.Ala830Thr). ClinVar contains an entry for this variant (Variation ID: 1489166). In summary, the available evidence is currently insufficient to determine the role of this variant in disease. Therefore, it has been classified as a Variant of Uncertain Significance. Algorithms developed to predict the effect of missense changes on protein structure and function output the following: SIFT: "Not Available"; PolyPhen-2: "Possibly Damaging"; Align-GVGD: "Not Available". The threonine amino acid residue is found in multiple mammalian species, which suggests that this missense change does not adversely affect protein function.

NM_002900.3(RBP3):c.2488G>A (p.Ala830Thr)

Gene: RBP3 (retinol binding protein 3; plus strand). Cytogenetic location: 10q11.22.
Variant type: single nucleotide variant.
Coding change: c.2488G>A on transcript NM_002900.3 (MANE Select); coding-DNA position 2488, G replaced by A.
Protein change: p.Ala830Thr; replaces alanine 830 with threonine.
Molecular consequence: missense variant.
Genome position (GRCh38, 1-based): chr10:47,350,972, G>A. VCF-style: chr10-47350972-G-A. GRCh37 (hg19) VCF-style: chr10-48388390-C-T.
Other names: c.2488G>A (NM_002900.2); short protein forms A830T.
Identifiers: ClinVar variation 1489166 (VCV001489166.8), dbSNP rs782226632, ClinGen allele CA5487273.